The following is an entry in ClinVar:

ClinVar aggregate classification (germline): Uncertain significance (1 of 4 stars; one submission).

Conditions:
ALMS1-related disorder. Also called: ALMS1-related condition.

gnomAD v4.1: 3 of 1,587,322 alleles (0.00019%); highest among the groups gnomAD compares: East Asian, 0.0023%; no homozygotes.

Submission:

PreventionGenetics, part of Exact Sciences
Classification: Uncertain significance for ALMS1-related condition. Last evaluated: 2026-03-13. Review status: criteria provided, single submitter. Criteria: ACMG Guidelines, 2015. Collection method: clinical testing. Allele origin: germline.
Comment: The ALMS1 c.191A>G variant is predicted to result in the amino acid substitution p.His64Arg. To our knowledge, this variant has not been reported in the literature or in a large population database (gnomAD), indicating this variant is rare. At this time, the clinical significance of this variant is uncertain due to the absence of conclusive functional and genetic evidence.

NM_001378454.1(ALMS1):c.188A>G (p.Gln63Arg)

Gene: ALMS1 (ALMS1 centrosome and basal body associated protein; plus strand). Cytogenetic location: 2p13.1.
Variant type: single nucleotide variant.
Coding change: c.188A>G on transcript NM_001378454.1 (MANE Select); coding-DNA position 188, A replaced by G.
Protein change: p.Gln63Arg; replaces glutamine 63 with arginine.
Molecular consequence: missense variant.
Genome position (GRCh38, 1-based): chr2:73,386,056, A>G. VCF-style: chr2-73386056-A-G. GRCh37 (hg19) VCF-style: chr2-73613184-A-G.
Other names: c.191A>G, p.Gln64Arg (NM_015120.4); short protein forms Q63R, Q64R.
Identifiers: ClinVar variation 4984384 (VCV004984384.1).